The following is an entry in ClinVar:

ClinVar aggregate classification (germline): Pathogenic (1 of 4 stars; one submission).

Conditions:
Hereditary angioedema type 1 (HAE1). Identifiers: Orphanet 100050, Orphanet 100051, Orphanet 91378, MedGen C2717906, MONDO:0015053, OMIM 106100.

Submission:

DNA-diagnostics Laboratory, Research Centre For Medical Genetics
Classification: Pathogenic for Hereditary angioedema type 1. Last evaluated: 2024-07-24. Review status: criteria provided, single submitter. Criteria: ACMG Guidelines, 2015. Collection method: research. Allele origin: germline. Inheritance: Autosomal dominant inheritance. Affected: yes. Observed: 2 variant alleles, 2 heterozygotes. Clinical features observed: Angioedema (HP:0100665).
Comment: The c.1113delA variant in SERPING1 meets ACMG/ClinGen SVI guidance criteria to be classified as pathogenic: PVS1, PP4_Mod, PM2_Sup, PP1

NM_000062.3(SERPING1):c.1113del (p.Glu371fs)

Gene: SERPING1 (serpin family G member 1; plus strand). Cytogenetic location: 11q12.1.
Variant type: Deletion.
Coding change: c.1113del on transcript NM_000062.3 (MANE Select); coding-DNA position 1113, one base deleted (A; older notation c.1113delA).
Protein change: p.Glu371fs; shifts the reading frame from glutamic acid 371.
Molecular consequence: frameshift variant.
Genome position (GRCh38, 1-based): chr11:57,611,800, A deleted; the last of 2 consecutive A bases (chr11:57,611,799-57,611,800); deleting either gives the same sequence. VCF-style (leftmost placement, unchanged base first): chr11-57611798-GA-G. GRCh37 (hg19) VCF-style: chr11-57379271-GA-G.
Other names: c.1113del, p.Glu371fs (NM_001032295.2); c.1113delA (NM_000062.3); short protein forms E371fs.
Identifiers: ClinVar variation 3255511 (VCV003255511.2), dbSNP rs2495452442.